The following is an entry in ClinVar:

NM_006431.3(CCT2):c.175G>A (p.Ala59Thr)

Gene: CCT2 (chaperonin containing TCP1 subunit 2; plus strand). Cytogenetic location: 12q15.
Variant type: single nucleotide variant.
Coding change: c.175G>A on transcript NM_006431.3 (MANE Select); coding-DNA position 175, G replaced by A.
Protein change: p.Ala59Thr; replaces alanine 59 with threonine.
Molecular consequence: missense variant.
Genome position (GRCh38, 1-based): chr12:69,587,535, G>A. VCF-style: chr12-69587535-G-A. GRCh37 (hg19) VCF-style: chr12-69981315-G-A.
Other names: c.34G>A, p.Ala12Thr (NM_001198842.2); short protein forms A12T, A59T.
Identifiers: ClinVar variation 938059 (VCV000938059.9), dbSNP rs1315490316, ClinGen allele CA385723875.

ClinVar aggregate classification (germline): Uncertain significance (1 of 4 stars; one submission).

Allele frequency attached by ClinVar (database versions not stated): gnomAD exomes below 0.00001; TOPMed 0.00002.
gnomAD v4.1: 6 of 1,612,794 alleles (0.00037%); highest among the groups gnomAD compares: African/African-American, 0.004%; no homozygotes.

Submission:

Labcorp Genetics (formerly Invitae), Labcorp
Classification: Uncertain significance. Last evaluated: 2025-06-12. Review status: criteria provided, single submitter. Criteria: Invitae Variant Classification Sherloc (09022015). Collection method: clinical testing. Allele origin: germline.
Comment: This sequence change replaces alanine, which is neutral and non-polar, with threonine, which is neutral and polar, at codon 59 of the CCT2 protein (p.Ala59Thr). This variant is not present in population databases (gnomAD no frequency). This variant has not been reported in the literature in individuals affected with CCT2-related conditions. ClinVar contains an entry for this variant (Variation ID: 938059). An algorithm developed to predict the effect of missense changes on protein structure and function (PolyPhen-2) suggests that this variant is likely to be tolerated. In summary, the available evidence is currently insufficient to determine the role of this variant in disease. Therefore, it has been classified as a Variant of Uncertain Significance.